The following is an entry in ClinVar:

NM_002578.5(PAK3):c.1518G>A (p.Arg506=)

Gene: PAK3 (p21 (RAC1) activated kinase 3; plus strand). Cytogenetic location: Xq23.
Variant type: single nucleotide variant.
Coding change: c.1518G>A on transcript NM_002578.5 (MANE Select); coding-DNA position 1518, G replaced by A.
Protein change: p.Arg506=; no amino-acid change (arginine 506 retained).
Molecular consequence: synonymous variant. On other transcripts: non-coding transcript variant (2).
Genome position (GRCh38, 1-based): chrX:111,216,531, G>A. VCF-style: chrX-111216531-G-A. GRCh37 (hg19) VCF-style: chrX-110459759-G-A.
Other names: c.1518G>A, p.Arg506= (NM_001128166.3, NM_001128167.3, NM_001324325.2 and 5 more transcripts); c.1626G>A, p.Arg542= (NM_001128168.3); c.1581G>A, p.Arg527= (NM_001128172.2); c.1563G>A, p.Arg521= (NM_001128173.3, NM_001324327.2, NM_001324328.2 and 2 more transcripts).
Identifiers: ClinVar variation 367718 (VCV000367718.18), dbSNP rs377693111, ClinGen allele CA10492813.
Genomic context (GRCh38, chrX:111,216,531, plus strand): 5'-GAGACTGTCAGCTGTATTCCGTGACTTTTTAAATCGCTGTCTTGAGATGGATGTGGATAG[G>A]CGAGGATCTGCCAAGGAGCTTTTGCAGGTGAAAATAAAATAGGACAATTACAAAGAGAGG-3'
Protein context (NP_002569.1, residues 496-516): LNRCLEMDVD[Arg506=]RGSAKELLQH

ClinVar aggregate classification (germline): Benign/Likely benign. Review status: criteria provided, multiple submitters, no conflicts (2 of 4 stars). 6 submissions from 6 submitters: Benign (2); Likely benign (1). 3 of the submissions do not count toward it. Last evaluated 2025-12-29.

Conditions:
Intellectual developmental disorder, X-linked 30. Also called: MENTAL RETARDATION, X-LINKED 47; Intellectual disability, X-linked 30. Identifiers: Orphanet 777, MedGen C0796237, MONDO:0010361, OMIM 300558.

Allele frequency attached by ClinVar (database versions not stated): gnomAD exomes 0.00034 and 0.00061; TOPMed 0.00044; ESP Exome Variant Server 0.00019; ExAC 0.00025.
gnomAD v4.1: 708 of 1,199,078 alleles (0.059%); highest among the groups gnomAD compares: Non-Finnish European, 0.072%; no homozygotes.

Submissions (6):

Labcorp Genetics (formerly Invitae), Labcorp
Classification: Benign. Last evaluated: 2025-12-29. Review status: criteria provided, single submitter. Criteria: Invitae Variant Classification Sherloc (09022015). Collection method: clinical testing. Allele origin: germline.

Blueprint Genetics
Classification: Likely benign. Last evaluated: 2024-11-25. Review status: criteria provided, single submitter. Criteria: ACMG Guidelines, 2015. Collection method: clinical testing. Allele origin: germline.

Illumina Laboratory Services, Illumina
Classification: Benign for Intellectual developmental disorder, X-linked 30. Last evaluated: 2018-01-12. Review status: criteria provided, single submitter. Criteria: ICSL Variant Classification Criteria 13 December 2019. Collection method: clinical testing. Allele origin: germline.
Comment: This variant was observed in the ICSL laboratory as part of a predisposition screen in an ostensibly healthy population. It had not been previously curated by ICSL or reported in the Human Gene Mutation Database (HGMD: prior to June 1st, 2018), and was therefore a candidate for classification through an automated scoring system. Utilizing variant allele frequency, disease prevalence and penetrance estimates, and inheritance mode, an automated score was calculated to assess if this variant is too frequent to cause the disease. Based on the score and internal cut-off values, a variant classified as benign is not then subjected to further curation. The score for this variant resulted in a classification of benign for this disease.

Clinical Genetics DNA and cytogenetics Diagnostics Lab, Erasmus MC, Erasmus Medical Center
Classification: Likely benign. Review status: no assertion criteria provided. Collection method: clinical testing. Allele origin: germline. Affected: yes. Study: VKGL Data-share Consensus. Not counted in ClinVar's aggregate classification.

Diagnostic Laboratory, Department of Genetics, University Medical Center Groningen
Classification: Likely benign. Review status: no assertion criteria provided. Collection method: clinical testing. Allele origin: germline. Affected: yes. Study: VKGL Data-share Consensus. Not counted in ClinVar's aggregate classification.

Genome Diagnostics Laboratory, University Medical Center Utrecht
Classification: Likely benign. Review status: no assertion criteria provided. Collection method: clinical testing. Allele origin: germline. Affected: yes. Study: VKGL Data-share Consensus. Not counted in ClinVar's aggregate classification.